The following is an entry in ClinVar:

ClinVar aggregate classification (germline): Likely benign. Review status: criteria provided, multiple submitters, no conflicts (2 of 4 stars). 3 submissions from 3 submitters: Likely benign (2). 1 of the submissions does not count toward it. Last evaluated 2025-06-17.

Conditions:
ARID1B-Related Disorder. Identifiers: MedGen CN381337.

Allele frequency attached by ClinVar (database versions not stated): ExAC 0.00003; gnomAD 0.00004; TOPMed 0.00004; gnomAD exomes 0.00005.
gnomAD v4.1: 77 of 1,613,996 alleles (0.0048%); highest among the groups gnomAD compares: African/African-American, 0.008%; 1 homozygote.

Submissions (3):

Labcorp Genetics (formerly Invitae), Labcorp
Classification: Likely benign. Last evaluated: 2025-06-17. Review status: criteria provided, single submitter. Criteria: Invitae Variant Classification Sherloc (09022015). Collection method: clinical testing. Allele origin: germline.

CeGaT Center for Human Genetics Tuebingen
Classification: Likely benign. Last evaluated: 2025-03-01. Review status: criteria provided, single submitter. Criteria: CeGaT Center For Human Genetics Tuebingen Variant Classification Criteria Version 2. Collection method: clinical testing. Allele origin: germline. Affected: yes. Observed: 4 variant alleles.
Comment: ARID1B: BP4, BP7

PreventionGenetics, part of Exact Sciences
Classification: Likely benign for ARID1B-related condition. Last evaluated: 2024-03-28. Review status: no assertion criteria provided. Collection method: clinical testing. Allele origin: germline. Not counted in ClinVar's aggregate classification.
Comment: This variant is classified as likely benign based on ACMG/AMP sequence variant interpretation guidelines (Richards et al. 2015 PMID: 25741868, with internal and published modifications).

NM_001374828.1(ARID1B):c.6795C>T (p.Asp2265=)

Gene: ARID1B (AT-rich interaction domain 1B; plus strand). Cytogenetic location: 6q25.3.
Variant type: single nucleotide variant.
Coding change: c.6795C>T on transcript NM_001374828.1 (MANE Select); coding-DNA position 6795, C replaced by T.
Protein change: p.Asp2265=; no amino-acid change (aspartic acid 2265 retained).
Molecular consequence: synonymous variant.
Genome position (GRCh38, 1-based): chr6:157,207,567, C>T. VCF-style: chr6-157207567-C-T. GRCh37 (hg19) VCF-style: chr6-157528701-C-T.
Other names: c.6546C>T, p.Asp2182= (NM_001346813.1); c.4296C>T, p.Asp1432= (NM_001363725.2); c.6675C>T, p.Asp2225= (NM_001371656.1, NM_001374820.1); c.6636C>T, p.Asp2212= (NM_017519.3); c.6426C>T, p.Asp2142= (NM_020732.3); c.6213C>T, p.Asp2071= (NM_175863.2).
Identifiers: ClinVar variation 2657075 (VCV002657075.27), dbSNP rs773023212, ClinGen allele CA4068058.